The following is an entry in ClinVar:

ClinVar aggregate classification (germline): Pathogenic (1 of 4 stars; one submission).

Conditions:
Neurofibromatosis, type 1 (NF1). Also called: Peripheral type neurofibromatosis; Neurofibromatosis, type I; VON RECKLINGHAUSEN DISEASE; NEUROFIBROMATOSIS, TYPE I, SOMATIC. Identifiers: Orphanet 636, MedGen C0027831, MONDO:0018975, OMIM 162200. Disease mechanism: loss of function.

Submission:

Labcorp Genetics (formerly Invitae), Labcorp
Classification: Pathogenic for Neurofibromatosis, type 1. Last evaluated: 2024-08-27. Review status: criteria provided, single submitter. Criteria: Invitae Variant Classification Sherloc (09022015). Collection method: clinical testing. Allele origin: germline.
Comment: This sequence change creates a premature translational stop signal (p.Glu1220Valfs*2) in the NF1 gene. It is expected to result in an absent or disrupted protein product. Loss-of-function variants in NF1 are known to be pathogenic (PMID: 10712197, 23913538). This variant is not present in population databases (gnomAD no frequency). This variant has not been reported in the literature in individuals affected with NF1-related conditions. ClinVar contains an entry for this variant (Variation ID: 942889). For these reasons, this variant has been classified as Pathogenic.

Literature cited by the submitters: PubMed 10712197; PubMed 23913538.

NM_001042492.3(NF1):c.3658_3659insTTTG (p.Glu1220delinsValTer)

Gene: NF1 (neurofibromin 1; plus strand). Cytogenetic location: 17q11.2.
Variant type: Insertion.
Coding change: c.3658_3659insTTTG on transcript NM_001042492.3 (MANE Select); coding-DNA positions 3658 to 3659, TTTG inserted.
Protein change: p.Glu1220delinsValTer.
Molecular consequence: nonsense. On other transcripts: frameshift variant (1).
Genome position: GRCh38 VCF-style: chr17-31233162-A-AGTTT. GRCh37 (hg19) VCF-style: chr17-29560180-A-AGTTT.
Other names: c.3658_3659insTTTG, p.Glu1220Valfs (NM_000267.4).
Identifiers: ClinVar variation 942889 (VCV000942889.6), dbSNP rs2067144319, ClinGen allele CA1139665340.